The following is an entry in ClinVar:

NM_015443.4(KANSL1):c.3312C>A (p.His1104Gln)

Gene: KANSL1 (KAT8 regulatory NSL complex subunit 1). Cytogenetic location: 17q21.31.
Variant type: single nucleotide variant.
Coding change: c.3312C>A on transcript NM_015443.4 (MANE Select); coding-DNA position 3312, C replaced by A.
Protein change: p.His1104Gln; replaces histidine 1104 with glutamine.
Molecular consequence: missense variant.
Genome position (GRCh38, 1-based): chr17:46,031,482, G>T on the plus strand (C>A on the coding strand, the complement: KANSL1 is on the minus strand). VCF-style: chr17-46031482-G-T. GRCh37 (hg19) VCF-style: chr17-44108848-G-T.
Other names: c.3309C>A, p.His1103Gln (NM_001193465.2, NM_001405856.1, NM_001405857.1 and 1 more transcripts); c.3312C>A, p.His1104Gln (NM_001193466.2, NM_001379198.1, NM_001405854.1 and 1 more transcripts); c.3210C>A, p.His1070Gln (NM_001405859.1, NM_001405860.1); c.3207C>A, p.His1069Gln (NM_001405861.1); c.3180C>A, p.His1060Gln (NM_001405872.1, NM_001405873.1, NM_001405874.1); c.3123C>A, p.His1041Gln (NM_001405875.1, NM_001405876.1, NM_001405877.1 and 1 more transcripts); c.3120C>A, p.His1040Gln (NM_001405879.1, NM_001405880.1); c.3075C>A, p.His1025Gln (NM_001405881.1); and 4 more; short protein forms H1025Q, H1040Q, H1041Q, H682Q, H1070Q, H1103Q, H618Q, H1069Q.
Identifiers: ClinVar variation 4727296 (VCV004727296.1).

ClinVar aggregate classification (germline): Uncertain significance (1 of 4 stars; one submission).

Conditions:
Koolen-de Vries syndrome (KDVS). Identifiers: Orphanet 96169, MedGen C1864871, MONDO:0012496, OMIM 610443.

Submission:

Labcorp Genetics (formerly Invitae), Labcorp
Classification: Uncertain significance for Koolen-de Vries syndrome. Last evaluated: 2025-12-15. Review status: criteria provided, single submitter. Criteria: Invitae Variant Classification Sherloc (09022015). Collection method: clinical testing. Allele origin: germline.
Comment: This sequence change replaces histidine, which is basic and polar, with glutamine, which is neutral and polar, at codon 1104 of the KANSL1 protein (p.His1104Gln). This variant is not present in population databases (gnomAD no frequency). This variant has not been reported in the literature in individuals affected with KANSL1-related conditions. An algorithm developed to predict the effect of missense changes on protein structure and function (PolyPhen-2) suggests that this variant is likely to be disruptive. In summary, the available evidence is currently insufficient to determine the role of this variant in disease. Therefore, it has been classified as a Variant of Uncertain Significance.